The following is an entry in ClinVar:

ClinVar aggregate classification (germline): Likely benign (1 of 4 stars; one submission).

Conditions:
Hypertrophic cardiomyopathy. Also called: HYPERTROPHIC MYOCARDIOPATHY. Identifiers: Orphanet 217569, MedGen C0007194, MeSH D002312, MONDO:0005045, HP:0001639.

gnomAD v4.1: 24 of 1,614,100 alleles (0.0015%); highest among the groups gnomAD compares: Non-Finnish European, 0.002%; no homozygotes.

Submission:

All of Us Research Program, National Institutes of Health
Classification: Likely benign for Hypertrophic cardiomyopathy. Last evaluated: 2023-05-04. Review status: criteria provided, single submitter. Criteria: ACMG Guidelines, 2015. Collection method: clinical testing. Allele origin: germline. Inheritance: Autosomal dominant inheritance. Observed: 1 variant allele, 1 heterozygote.
Comment: This study involves interpretation of variants in research participants for the purpose of population health screening. Participant phenotype was not available at the time of variant classification. Additional details can be found in publication PMID: 35346344, PMCID: PMC8962531

NM_000258.3(MYL3):c.241C>A (p.Arg81=)

Gene: MYL3 (myosin light chain 3; minus strand). Cytogenetic location: 3p21.31.
Variant type: single nucleotide variant.
Coding change: c.241C>A on transcript NM_000258.3 (MANE Select); coding-DNA position 241, C replaced by A.
Protein change: p.Arg81=; no amino-acid change (arginine 81 retained).
Molecular consequence: synonymous variant.
Genome position (GRCh38, 1-based): chr3:46,860,742, G>T on the plus strand (C>A on the coding strand, the complement: MYL3 is on the minus strand). VCF-style: chr3-46860742-G-T. GRCh37 (hg19) VCF-style: chr3-46902232-G-T.
Other names: c.241C>A, p.Arg81= (NM_001406937.1, NM_001406938.1, NM_001406939.1); c.67C>A, p.Arg23= (NM_001406940.1, NM_001406941.1).
Identifiers: ClinVar variation 3075509 (VCV003075509.1), dbSNP rs761891361, ClinGen allele CA433474566.